The following is an entry in ClinVar:

ClinVar aggregate classification (germline): Likely pathogenic (1 of 4 stars; one submission).

Conditions:
Developmental and epileptic encephalopathy, 2 (DEE2). Also called: INFANTILE SPASM SYNDROME, X-LINKED 2; CDKL5 deficiency disorder. Identifiers: Orphanet 1934, Orphanet 3451, Orphanet 505652, MedGen C4750718, MONDO:0010396, OMIM 300672.
Angelman syndrome-like. Identifiers: MedGen CN128785.

Submission:

Labcorp Genetics (formerly Invitae), Labcorp
Classification: Likely pathogenic for Developmental and epileptic encephalopathy, 2; Angelman syndrome-like. Last evaluated: 2022-09-01. Review status: criteria provided, single submitter. Criteria: Invitae Variant Classification Sherloc (09022015). Collection method: clinical testing. Allele origin: germline.
Comment: In summary, the currently available evidence indicates that the variant is pathogenic, but additional data are needed to prove that conclusively. Therefore, this variant has been classified as Likely Pathogenic. This sequence change affects a donor splice site in intron 10 of the CDKL5 gene. It is expected to disrupt RNA splicing. Variants that disrupt the donor or acceptor splice site typically lead to a loss of protein function (PMID: 16199547), and loss-of-function variants in CDKL5 are known to be pathogenic (PMID: 22872100). This variant is not present in population databases (gnomAD no frequency). Disruption of this splice site has been observed in individual(s) with CDKL5-related conditions (PMID: 22872100, 29186148, 31313283; Invitae). Algorithms developed to predict the effect of sequence changes on RNA splicing suggest that this variant may disrupt the consensus splice site.

Literature cited by the submitters: PubMed 16199547; PubMed 22872100; PubMed 29186148; PubMed 31313283.

NM_001323289.2(CDKL5):c.825+1G>C

Gene: CDKL5 (cyclin dependent kinase like 5; plus strand). Cytogenetic location: Xp22.13.
Variant type: single nucleotide variant.
Coding change: c.825+1G>C on transcript NM_001323289.2 (MANE Select); the canonical splice donor site of the intron after coding-DNA position 825, G replaced by C.
Molecular consequence: splice donor variant.
Genome position (GRCh38, 1-based): chrX:18,595,429, G>C. VCF-style: chrX-18595429-G-C. GRCh37 (hg19) VCF-style: chrX-18613549-G-C.
Other names: c.825+1G>C (NM_003159.3, NM_001037343.2).
Identifiers: ClinVar variation 2006078 (VCV002006078.4), dbSNP rs2518864230, ClinGen allele CA412355103.